The following is an entry in ClinVar:

ClinVar aggregate classification (germline): Uncertain significance. Review status: criteria provided, single submitter (1 of 4 stars). 2 submissions from 2 submitters: Uncertain significance (1). 1 of the submissions does not count toward it. Last evaluated 2024-10-13.

Conditions:
Familial long QT syndrome (RWS). Also called: Congenital long QT syndrome; Romano-Ward syndrome; VENTRICULAR FIBRILLATION WITH PROLONGED QT INTERVAL. Identifiers: Orphanet 768, MedGen C1141890, MONDO:0019171.
Long QT syndrome (LQTS). Identifiers: MedGen C0023976, MeSH D008133, MONDO:0002442. Disease mechanism: loss of function. Inheritance: Various modes of inheritance.

Submissions (2):

Labcorp Genetics (formerly Invitae), Labcorp
Classification: Uncertain significance for Long QT syndrome. Last evaluated: 2024-10-13. Review status: criteria provided, single submitter. Criteria: Invitae Variant Classification Sherloc (09022015). Collection method: clinical testing. Allele origin: germline.
Comment: This sequence change replaces arginine, which is basic and polar, with methionine, which is neutral and non-polar, at codon 360 of the KCNQ1 protein (p.Arg360Met). This variant is not present in population databases (gnomAD no frequency). This missense change has been observed in individual(s) with clinical features of KCNQ1-related conditions (internal data). ClinVar contains an entry for this variant (Variation ID: 67010). Invitae Evidence Modeling of protein sequence and biophysical properties (such as structural, functional, and spatial information, amino acid conservation, physicochemical variation, residue mobility, and thermodynamic stability) indicates that this missense variant is expected to disrupt KCNQ1 protein function with a positive predictive value of 95%. In summary, the available evidence is currently insufficient to determine the role of this variant in disease. Therefore, it has been classified as a Variant of Uncertain Significance.

Cardiovascular Biomedical Research Unit, Royal Brompton & Harefield NHS Foundation Trust
No classification provided. Condition: Familial long QT syndrome. Review status: no classification provided. Collection method: literature only. Allele origin: germline. Not counted in ClinVar's aggregate classification.
Comment: This variant has been reported as associated with Long QT syndrome in the following publications (PMID:19716085). This is a literature report, and does not necessarily reflect the clinical interpretation of the Imperial College / Royal Brompton Cardiovascular Genetics laboratory.

Literature cited by the submitters: PubMed 19716085 (cited by Cardiovascular Biomedical Research Unit, Royal Brompton & Harefield NHS Foundation Trust); PubMed 22581653 (cited by Cardiovascular Biomedical Research Unit, Royal Brompton & Harefield NHS Foundation Trust).

NM_000218.3(KCNQ1):c.1079G>T (p.Arg360Met)

Gene: KCNQ1 (potassium voltage-gated channel subfamily Q member 1; plus strand). Cytogenetic location: 11p15.5.
Variant type: single nucleotide variant.
Coding change: c.1079G>T on transcript NM_000218.3 (MANE Select); coding-DNA position 1079, G replaced by T.
Protein change: p.Arg360Met; replaces arginine 360 with methionine.
Molecular consequence: missense variant.
Genome position (GRCh38, 1-based): chr11:2,585,258, G>T. VCF-style: chr11-2585258-G-T. GRCh37 (hg19) VCF-style: chr11-2606488-G-T.
Other names: c.1079G>T (LRG_287t1); c.809G>T, p.Arg270Met (NM_001406837.1); c.698G>T, p.Arg233Met (NM_181798.2); short protein forms R360M, R233M, R270M.
Identifiers: ClinVar variation 67010 (VCV000067010.5), dbSNP rs199473407, ClinGen allele CA005205.